The following is an entry in ClinVar:

NC_000021.8:g.(?_44836602)_(45629566_?)del

Genes: PDXK (pyridoxal kinase; plus strand), PWP2 (PWP2 small subunit processome component; plus strand), RRP1 (ribosomal RNA processing 1; plus strand), SIK1 (salt inducible kinase 1; minus strand), RRP1B (ribosomal RNA processing 1B; plus strand) and 5 more. Cytogenetic location: 21q22.3.
Variant type: Deletion.
Identifiers: ClinVar variation 830405 (VCV000830405.2).

ClinVar aggregate classification (germline): Pathogenic (1 of 4 stars; one submission).

Conditions:
Developmental and epileptic encephalopathy, 30 (DEE30). Also called: Epileptic encephalopathy, early infantile, 30. Identifiers: MedGen C4225360, MONDO:0014595, OMIM 616341.

Submission:

Labcorp Genetics (formerly Invitae), Labcorp
Classification: Pathogenic for Developmental and epileptic encephalopathy, 30. Last evaluated: 2019-05-19. Review status: criteria provided, single submitter. Criteria: Invitae Variant Classification Sherloc (09022015). Collection method: clinical testing. Allele origin: germline.
Comment: A gross deletion of the genomic region encompassing the full coding sequence of the SIK1 gene has been identified. The boundaries of this event are unknown as the deletion extends beyond the assayed region for this gene and therefore may encompass additional genes. This variant has not been reported in the literature in individuals with SIK1-related conditions. Loss-of-function variants in SIK1 are known to be pathogenic (PMID: 25839329). For these reasons, this variant has been classified as Pathogenic.

Literature cited by the submitters: PubMed 25839329.